The following is an entry in ClinVar:

NM_004393.6(DAG1):c.1105A>G (p.Thr369Ala)

Gene: DAG1 (dystroglycan 1; plus strand). Cytogenetic location: 3p21.31.
Variant type: single nucleotide variant.
Coding change: c.1105A>G on transcript NM_004393.6 (MANE Select); coding-DNA position 1105, A replaced by G.
Protein change: p.Thr369Ala; replaces threonine 369 with alanine.
Molecular consequence: missense variant.
Genome position (GRCh38, 1-based): chr3:49,531,616, A>G. VCF-style: chr3-49531616-A-G. GRCh37 (hg19) VCF-style: chr3-49569049-A-G.
Other names: c.1105A>G, p.Thr369Ala (NM_001177643.3, NM_001177644.3, NM_001165928.4 and 9 more transcripts); short protein forms T369A.
Identifiers: ClinVar variation 501731 (VCV000501731.15), dbSNP rs1553652891, ClinGen allele CA352794737.

ClinVar aggregate classification (germline): Uncertain significance. Review status: criteria provided, multiple submitters, no conflicts (2 of 4 stars). 3 submissions from 3 submitters: Uncertain significance (3). Last evaluated 2022-04-18.

Conditions:
Autosomal recessive limb-girdle muscular dystrophy type 2P. Also called: MUSCULAR DYSTROPHY-DYSTROGLYCANOPATHY, LIMB-GIRDLE, DAG1-RELATED; Limb-Girdle Muscular Dystrophy Type 9C; MUSCULAR DYSTROPHY, LIMB-GIRDLE, TYPE 2P. Identifiers: Orphanet 280333, MedGen C4511963, MONDO:0013440, OMIM 613818.
Muscular dystrophy-dystroglycanopathy (congenital with brain and eye anomalies), type A9. Also called: Muscular dystrophy-dystroglycanopathy (congenital with brain and eye anomalies), type a, 9; WALKER-WARBURG SYNDROME OR MUSCLE-EYE BRAIN DISEASE, DAG1-RELATED. Identifiers: Orphanet 370997, Orphanet 899, MedGen C4225291, MONDO:0014683, OMIM 616538.

Allele frequency attached by ClinVar (database versions not stated): TOPMed below 0.00001; gnomAD exomes 0.00001.
gnomAD v4.1: 4 of 1,612,948 alleles (0.00025%); highest among the groups gnomAD compares: Non-Finnish European, 0.00025%; no homozygotes.

Submissions (3):

Revvity Omics, Revvity
Classification: Uncertain significance. Last evaluated: 2022-04-18. Review status: criteria provided, single submitter. Criteria: ACMG Guidelines, 2015. Collection method: clinical testing. Allele origin: germline.

Labcorp Genetics (formerly Invitae), Labcorp
Classification: Uncertain significance for Autosomal recessive limb-girdle muscular dystrophy type 2P; Muscular dystrophy-dystroglycanopathy (congenital with brain and eye anomalies), type A9. Last evaluated: 2021-05-17. Review status: criteria provided, single submitter. Criteria: Invitae Variant Classification Sherloc (09022015). Collection method: clinical testing. Allele origin: germline.
Comment: In summary, the available evidence is currently insufficient to determine the role of this variant in disease. Therefore, it has been classified as a Variant of Uncertain Significance. Algorithms developed to predict the effect of missense changes on protein structure and function are either unavailable or do not agree on the potential impact of this missense change (SIFT: "Tolerated"; PolyPhen-2: "Probably Damaging"; Align-GVGD: "Class C0"). This variant has not been reported in the literature in individuals with DAG1-related conditions. ClinVar contains an entry for this variant (Variation ID: 501731). This variant is not present in population databases (ExAC no frequency). This sequence change replaces threonine with alanine at codon 369 of the DAG1 protein (p.Thr369Ala). The threonine residue is moderately conserved and there is a small physicochemical difference between threonine and alanine.

Eurofins Ntd Llc (ga)
Classification: Uncertain significance. Last evaluated: 2017-05-04. Review status: criteria provided, single submitter. Criteria: EGL Classification Definitions 2015. Collection method: clinical testing. Allele origin: germline. Observed: 1 variant allele, 1 heterozygote.